The following is an entry in ClinVar:

NM_001170629.2(CHD8):c.635G>A (p.Arg212Gln)

Gene: CHD8 (chromodomain helicase DNA binding protein 8; minus strand). Cytogenetic location: 14q11.2.
Variant type: single nucleotide variant.
Coding change: c.635G>A on transcript NM_001170629.2 (MANE Select); coding-DNA position 635, G replaced by A.
Protein change: p.Arg212Gln; replaces arginine 212 with glutamine.
Molecular consequence: missense variant. On other transcripts: intron variant (1).
Genome position (GRCh38, 1-based): chr14:21,431,009, C>T on the plus strand (G>A on the coding strand, the complement: CHD8 is on the minus strand). VCF-style: chr14-21431009-C-T. GRCh37 (hg19) VCF-style: chr14-21899168-C-T.
Other names: c.6+802G>A (NM_020920.4); short protein forms R212Q.
Identifiers: ClinVar variation 1333801 (VCV001333801.5), dbSNP rs771587494, ClinGen allele CA7091930.

ClinVar aggregate classification (germline): Uncertain significance. Review status: criteria provided, multiple submitters, no conflicts (2 of 4 stars). 3 submissions from 3 submitters: Uncertain significance (3). Last evaluated 2024-02-08.

Conditions:
Intellectual developmental disorder with autism and macrocephaly. Also called: Autism, susceptibility to, 18; CHD8-Related Neurodevelopmental Disorder with Overgrowth. Identifiers: Orphanet 642675, MedGen C3554373, MONDO:0014017, OMIM 615032.

Allele frequency attached by ClinVar (database versions not stated): gnomAD 0.00001; TOPMed 0.00001; gnomAD exomes 0.00002; ExAC 0.00003.
gnomAD v4.1: 11 of 1,599,334 alleles (0.00069%); highest among the groups gnomAD compares: Admixed American, 0.0033%; no homozygotes.

Submissions (3):

Labcorp Genetics (formerly Invitae), Labcorp
Classification: Uncertain significance. Last evaluated: 2024-02-08. Review status: criteria provided, single submitter. Criteria: Invitae Variant Classification Sherloc (09022015). Collection method: clinical testing. Allele origin: germline.
Comment: This sequence change replaces arginine, which is basic and polar, with glutamine, which is neutral and polar, at codon 212 of the CHD8 protein (p.Arg212Gln). This variant is present in population databases (rs771587494, gnomAD 0.006%). This missense change has been observed in individual(s) with autism spectrum disorder (PMID: 25418537, 36182950). ClinVar contains an entry for this variant (Variation ID: 1333801). An algorithm developed to predict the effect of missense changes on protein structure and function (PolyPhen-2) suggests that this variant is likely to be disruptive. In summary, the available evidence is currently insufficient to determine the role of this variant in disease. Therefore, it has been classified as a Variant of Uncertain Significance.

CENTOGENE GmbH and LLC - Guiding Precision Medicine
Classification: Uncertain significance for Intellectual developmental disorder with autism and macrocephaly. Last evaluated: 2017-12-04. Review status: criteria provided, single submitter. Criteria: ACMG Guidelines, 2015. Collection method: clinical testing. Allele origin: germline. Affected: yes.

Juno Genomics, Hangzhou Juno Genomics, Inc
Classification: Uncertain significance for Intellectual developmental disorder with autism and macrocephaly. Review status: criteria provided, single submitter. Criteria: ACMG Guidelines, 2015. Collection method: clinical testing. Allele origin: germline.
Comment: Absent from controls (or at extremely low frequency if recessive) in Genome Aggregation Database.;Missense variant in a gene that has a low rate of benign missense variation.

Literature cited by the submitters: PubMed 25418537 (cited by Labcorp Genetics (formerly Invitae), Labcorp); PubMed 36182950 (cited by Labcorp Genetics (formerly Invitae), Labcorp).